The following is an entry in ClinVar:

NM_001148.6(ANK2):c.5314G>A (p.Ala1772Thr)

Genes: ANK2 (ankyrin 2; plus strand), LOC126807136 (MED14-independent group 3 enhancer GRCh37_chr4:114274931-114276130; plus strand). Cytogenetic location: 4q26.
Variant type: single nucleotide variant.
Coding change: c.5314G>A on transcript NM_001148.6 (MANE Select); coding-DNA position 5314, G replaced by A.
Protein change: p.Ala1772Thr; replaces alanine 1772 with threonine.
Molecular consequence: missense variant. On other transcripts: intron variant (68).
Genome position (GRCh38, 1-based): chr4:113,353,932, G>A. VCF-style: chr4-113353932-G-A. GRCh37 (hg19) VCF-style: chr4-114275088-G-A.
Other names: c.4405+3683G>A (NM_001354230.2); c.4468+3683G>A (NM_001354231.2, NM_001354242.2); c.4471+3683G>A (NM_001386144.1, NM_001354240.2, NM_001354241.2); c.5080G>A, p.Ala1694Thr (NM_001386142.1); c.1990+3683G>A (NM_001354279.2, NM_001354282.2); c.1714G>A, p.Ala572Thr (NM_001386166.1); c.5455G>A, p.Ala1819Thr (NM_001386174.1); c.1975+3683G>A (NM_001354280.2); and 35 more; short protein forms A1772T, A1694T, A1811T, A1819T, A572T.
Identifiers: ClinVar variation 945073 (VCV000945073.9), dbSNP rs199609429, ClinGen allele CA3051202.

ClinVar aggregate classification (germline): Uncertain significance. Review status: criteria provided, multiple submitters, no conflicts (2 of 4 stars). 2 submissions from 2 submitters: Uncertain significance (2). Last evaluated 2026-01-27.

Conditions:
Cardiovascular phenotype. Identifiers: MedGen CN230736.
Long QT syndrome (LQTS). Identifiers: MedGen C0023976, MeSH D008133, MONDO:0002442. Disease mechanism: loss of function. Inheritance: Various modes of inheritance.

Allele frequency attached by ClinVar (database versions not stated): ExAC 0.00001; TOPMed 0.00002; gnomAD exomes 0.00003; gnomAD 0.00004 and 0.00005; 1000 Genomes Project 30x 0.00016; 1000 Genomes Project 0.00020.
gnomAD v4.1: 20 of 1,613,962 alleles (0.0012%); highest among the groups gnomAD compares: Admixed American, 0.032%; no homozygotes.

Submissions (2):

Labcorp Genetics (formerly Invitae), Labcorp
Classification: Uncertain significance for Long QT syndrome. Last evaluated: 2026-01-27. Review status: criteria provided, single submitter. Criteria: Invitae Variant Classification Sherloc (09022015). Collection method: clinical testing. Allele origin: germline.
Comment: This sequence change replaces alanine, which is neutral and non-polar, with threonine, which is neutral and polar, at codon 1772 of the ANK2 protein (p.Ala1772Thr). This variant is present in population databases (rs199609429, gnomAD 0.02%). This variant has not been reported in the literature in individuals affected with ANK2-related conditions. ClinVar contains an entry for this variant (Variation ID: 945073). An algorithm developed to predict the effect of missense changes on protein structure and function (PolyPhen-2) suggests that this variant is likely to be disruptive. In summary, the available evidence is currently insufficient to determine the role of this variant in disease. Therefore, it has been classified as a Variant of Uncertain Significance.

Ambry Genetics
Classification: Uncertain significance for Cardiovascular phenotype. Last evaluated: 2024-06-24. Review status: criteria provided, single submitter. Criteria: Ambry Variant Classification Scheme 2023. Collection method: clinical testing. Allele origin: germline.
Comment: The p.A1772T variant (also known as c.5314G>A), located in coding exon 38 of the ANK2 gene, results from a G to A substitution at nucleotide position 5314. The alanine at codon 1772 is replaced by threonine, an amino acid with similar properties. This amino acid position is conserved. In addition, the in silico prediction for this alteration is inconclusive. Based on the available evidence, the clinical significance of this variant remains unclear.